The following is an entry in ClinVar:

ClinVar aggregate classification (germline): Uncertain significance. Review status: criteria provided, multiple submitters, no conflicts (2 of 4 stars). 2 submissions from 2 submitters: Uncertain significance (2). Last evaluated 2025-10-02.

Conditions:
Hemolytic uremic syndrome, atypical, susceptibility to, 1. Also called: AHUS, SUSCEPTIBILITY TO, 1. Identifiers: Orphanet 2134, Orphanet 90038, MedGen C2749604, MONDO:0009335, OMIM 235400. Disease mechanism: Other.
Basal laminar drusen. Also called: DRUSEN OF BRUCH MEMBRANE; DRUSEN, CUTICULAR; DRUSEN, EARLY ADULT-ONSET, GROUPED. Identifiers: Orphanet 75376, MedGen C0730295, MONDO:0007472, OMIM 126700.
Factor H deficiency (CFHD). Also called: COMPLEMENT FACTOR H DEFICIENCY; CFH DEFICIENCY. Identifiers: Orphanet 200421, MedGen C0398777, MONDO:0012350, OMIM 609814.
Age related macular degeneration 4. Identifiers: MedGen C1853147, MONDO:0012540, OMIM 610698.

gnomAD v4.1: 4 of 1,613,938 alleles (0.00025%); highest among the groups gnomAD compares: East Asian, 0.0022%; no homozygotes.

Submissions (2):

Genomenon, Inc
Classification: Uncertain significance for Age related macular degeneration 4. Last evaluated: 2025-10-02. Review status: criteria provided, single submitter. Criteria: Genomenon Sequence Variant Interpretation Standards - Updated. Collection method: curation. Allele origin: germline. Affected: yes.
Comment: CFH p.Arg1206His (c.3617G>A) is a missense variant that changes the amino acid at residue 1206 from Arginine to Histidine. This variant has been observed in at least one proband affected with age-related macular degeneration (PMID:26501415). It is absent or not present at a significant frequency in gnomAD. In silico models agree that this variant is not damaging. In conclusion, we classify CFH p.Arg1206His (c.3617G>A) as a variant of uncertain significance.

Fulgent Genetics
Classification: Uncertain significance for Basal laminar drusen; Hemolytic uremic syndrome, atypical, susceptibility to, 1; Factor H deficiency; Age related macular degeneration 4. Last evaluated: 2024-01-04. Review status: criteria provided, single submitter. Criteria: ACMG Guidelines, 2015. Collection method: clinical testing. Allele origin: germline.

Literature cited by the submitters: PubMed 26501415 (cited by Genomenon, Inc).

NM_000186.4(CFH):c.3617G>A (p.Arg1206His)

Gene: CFH (complement factor H; plus strand). Cytogenetic location: 1q31.3.
Variant type: single nucleotide variant.
Coding change: c.3617G>A on transcript NM_000186.4 (MANE Select); coding-DNA position 3617, G replaced by A.
Protein change: p.Arg1206His; replaces arginine 1206 with histidine.
Molecular consequence: missense variant.
Genome position (GRCh38, 1-based): chr1:196,747,234, G>A. VCF-style: chr1-196747234-G-A. GRCh37 (hg19) VCF-style: chr1-196716364-G-A.
Other names: short protein forms R1206H.
Identifiers: ClinVar variation 3575728 (VCV003575728.2).
Genomic context (GRCh38, chr1:196,747,234, plus strand): 5'-AACAGAAGCTTTATTCGAGAACAGGTGAATCAGTTGAATTTGTGTGTAAACGGGGATATC[G>A]TCTTTCATCACGTTCTCACACATTGCGAACAACATGTTGGGATGGGAAACTGGAGTATCC-3'
Protein context (NP_000177.2, residues 1196-1216): SVEFVCKRGY[Arg1206His]LSSRSHTLRT